The following is an entry in ClinVar:

ClinVar aggregate classification (germline): Conflicting classifications of pathogenicity. Review status: criteria provided, conflicting classifications (1 of 4 stars). 6 submissions from 6 submitters: Uncertain significance (1); Likely benign (4). 1 of the submissions does not count toward it. Last evaluated 2025-12-23.

Conditions:
RECQL-related disorder. Also called: RECQL-related condition.

Allele frequency attached by ClinVar (database versions not stated): gnomAD exomes 0.00016; ExAC 0.00017; 1000 Genomes Project 30x 0.00031; 1000 Genomes Project 0.00040; gnomAD 0.00080 and 0.00086; ESP Exome Variant Server 0.00092; TOPMed 0.00105.
gnomAD v4.1: 225 of 1,613,064 alleles (0.014%); highest among the groups gnomAD compares: African/African-American, 0.26%; no homozygotes.

Submissions (6):

Labcorp Genetics (formerly Invitae), Labcorp
Classification: Likely benign. Last evaluated: 2025-12-23. Review status: criteria provided, single submitter. Criteria: Invitae Variant Classification Sherloc (09022015). Collection method: clinical testing. Allele origin: germline.

Blueprint Genetics
Classification: Likely benign. Last evaluated: 2024-07-14. Review status: criteria provided, single submitter. Criteria: ACMG Guidelines, 2015. Collection method: clinical testing. Allele origin: germline.

Ambry Genetics
Classification: Uncertain significance. Last evaluated: 2024-05-26. Review status: criteria provided, single submitter. Criteria: Ambry Variant Classification Scheme 2023. Collection method: clinical testing. Allele origin: germline.

ARUP Laboratories, Molecular Genetics and Genomics, ARUP Laboratories
Classification: Likely benign. Last evaluated: 2021-03-13. Review status: criteria provided, single submitter. Criteria: ARUP Molecular Germline Variant Investigation Process 2021. Collection method: clinical testing. Allele origin: germline.

GeneDx
Classification: Likely benign. Last evaluated: 2020-09-22. Review status: criteria provided, single submitter. Criteria: GeneDx Variant Classification Process June 2021. Collection method: clinical testing. Allele origin: germline. Affected: yes.
Comment: In silico analysis supports that this missense variant does not alter protein structure/function; Has not been previously published as pathogenic or benign to our knowledge; This variant is associated with the following publications: (PMID: 27527004, 26455304)

PreventionGenetics, part of Exact Sciences
Classification: Likely benign for RECQL-related condition. Last evaluated: 2021-12-06. Review status: no assertion criteria provided. Collection method: clinical testing. Allele origin: germline. Not counted in ClinVar's aggregate classification.
Comment: This variant is classified as likely benign based on ACMG/AMP sequence variant interpretation guidelines (Richards et al. 2015 PMID: 25741868, with internal and published modifications).

NM_002907.4(RECQL):c.1631A>T (p.Lys544Met)

Gene: RECQL (RecQ like helicase; minus strand). Cytogenetic location: 12p12.1.
Variant type: single nucleotide variant.
Coding change: c.1631A>T on transcript NM_002907.4 (MANE Select); coding-DNA position 1631, A replaced by T.
Protein change: p.Lys544Met; replaces lysine 544 with methionine.
Molecular consequence: missense variant.
Genome position (GRCh38, 1-based): chr12:21,471,464, T>A on the plus strand (A>T on the coding strand, the complement: RECQL is on the minus strand). VCF-style: chr12-21471464-T-A. GRCh37 (hg19) VCF-style: chr12-21624398-T-A.
Other names: c.1631A>T, p.Lys544Met (NM_032941.3); short protein forms K544M.
Identifiers: ClinVar variation 1116819 (VCV001116819.24), dbSNP rs74067193, ClinGen allele CA6478706.